The following is an entry in ClinVar:

ClinVar aggregate classification (germline): Likely benign (1 of 4 stars; one submission).

Conditions:
Familial cancer of breast. Also called: hereditary breast carcinoma; Hereditary breast cancer; BREAST CANCER, FAMILIAL. Identifiers: Orphanet 227535, MedGen C0346153, MONDO:0016419, OMIM 114480. Disease mechanism: loss of function.

Submission:

Myriad Genetics, Inc.
Classification: Likely benign for Familial cancer of breast. Last evaluated: 2024-08-09. Review status: criteria provided, single submitter. Criteria: Myriad Autosomal Dominant, Autosomal Recessive and X-Linked Classification Criteria (2023). Collection method: clinical testing. Allele origin: unknown.
Comment: This variant is considered likely benign. This variant is intronic and is not expected to impact mRNA splicing.

NM_032043.3(BRIP1):c.94-12C>T

Gene: BRIP1 (BRCA1 interacting DNA helicase 1; minus strand). Cytogenetic location: 17q23.2.
Variant type: single nucleotide variant.
Coding change: c.94-12C>T on transcript NM_032043.3 (MANE Select); 12 bases into the intron before coding-DNA position 94, C replaced by T.
Molecular consequence: intron variant.
Genome position (GRCh38, 1-based): chr17:61,859,919, G>A on the plus strand (C>T on the coding strand, the complement: BRIP1 is on the minus strand). VCF-style: chr17-61859919-G-A. GRCh37 (hg19) VCF-style: chr17-59937280-G-A.
Identifiers: ClinVar variation 3378443 (VCV003378443.1).